The following is an entry in ClinVar:

NM_001261826.3(AP3D1):c.2362A>G (p.Ser788Gly)

Gene: AP3D1 (adaptor related protein complex 3 subunit delta 1; minus strand). Cytogenetic location: 19p13.3.
Variant type: single nucleotide variant.
Coding change: c.2362A>G on transcript NM_001261826.3 (MANE Select); coding-DNA position 2362, A replaced by G.
Protein change: p.Ser788Gly; replaces serine 788 with glycine.
Molecular consequence: missense variant.
Genome position (GRCh38, 1-based): chr19:2,114,809, T>C on the plus strand (A>G on the coding strand, the complement: AP3D1 is on the minus strand). VCF-style: chr19-2114809-T-C. GRCh37 (hg19) VCF-style: chr19-2114808-T-C.
Other names: c.2362A>G, p.Ser788Gly (NM_001374799.1, NM_003938.8); short protein forms S788G.
Identifiers: ClinVar variation 3621795 (VCV003621795.2).

ClinVar aggregate classification (germline): Uncertain significance (1 of 4 stars; one submission).

Submission:

Labcorp Genetics (formerly Invitae), Labcorp
Classification: Uncertain significance. Last evaluated: 2025-06-12. Review status: criteria provided, single submitter. Criteria: Invitae Variant Classification Sherloc (09022015). Collection method: clinical testing. Allele origin: germline.
Comment: This sequence change replaces serine, which is neutral and polar, with glycine, which is neutral and non-polar, at codon 788 of the AP3D1 protein (p.Ser788Gly). This variant is not present in population databases (gnomAD no frequency). This variant has not been reported in the literature in individuals affected with AP3D1-related conditions. ClinVar contains an entry for this variant (Variation ID: 3621795). An algorithm developed to predict the effect of missense changes on protein structure and function (PolyPhen-2) suggests that this variant is likely to be tolerated. In summary, the available evidence is currently insufficient to determine the role of this variant in disease. Therefore, it has been classified as a Variant of Uncertain Significance.